The following is an entry in ClinVar:

ClinVar aggregate classification (germline): Uncertain significance (1 of 4 stars; one submission).

Conditions:
Cardiovascular phenotype. Identifiers: MedGen CN230736.

gnomAD v4.1: 1 of 1,614,014 alleles (0.000062%); highest among the groups gnomAD compares: African/African-American, 0.0013%; no homozygotes.

Submission:

Ambry Genetics
Classification: Uncertain significance for Cardiovascular phenotype. Last evaluated: 2024-02-01. Review status: criteria provided, single submitter. Criteria: Ambry Variant Classification Scheme 2023. Collection method: clinical testing. Allele origin: germline.
Comment: The p.P1184R variant (also known as c.3551C>G), located in coding exon 17 of the MYPN gene, results from a C to G substitution at nucleotide position 3551. The proline at codon 1184 is replaced by arginine, an amino acid with dissimilar properties. This amino acid position is conserved. In addition, the in silico prediction for this alteration is inconclusive. Based on the available evidence, the clinical significance of this alteration remains unclear.

NM_032578.4(MYPN):c.3551C>G (p.Pro1184Arg)

Gene: MYPN (myopalladin; plus strand). Cytogenetic location: 10q21.3.
Variant type: single nucleotide variant.
Coding change: c.3551C>G on transcript NM_032578.4 (MANE Select); coding-DNA position 3551, C replaced by G.
Protein change: p.Pro1184Arg; replaces proline 1184 with arginine.
Molecular consequence: missense variant. On other transcripts: non-coding transcript variant (2).
Genome position (GRCh38, 1-based): chr10:68,201,886, C>G. VCF-style: chr10-68201886-C-G. GRCh37 (hg19) VCF-style: chr10-69961643-C-G.
Other names: c.3551C>G, p.Pro1184Arg (NM_001256267.2); c.2669C>G, p.Pro890Arg (NM_001256268.2); short protein forms P1184R, P890R.
Identifiers: ClinVar variation 3228173 (VCV003228173.1), dbSNP rs1238775346, ClinGen allele CA376860020.